The following is an entry in ClinVar:

NM_198968.4(DZIP1):c.1173+2T>A

Gene: DZIP1 (DAZ interacting zinc finger protein 1; minus strand). Cytogenetic location: 13q32.1.
Variant type: single nucleotide variant.
Coding change: c.1173+2T>A on transcript NM_198968.4 (MANE Select); the canonical splice donor site of the intron after coding-DNA position 1173, T replaced by A.
Molecular consequence: splice donor variant.
Genome position (GRCh38, 1-based): chr13:95,619,883, A>T on the plus strand (T>A on the coding strand, the complement: DZIP1 is on the minus strand). VCF-style: chr13-95619883-A-T. GRCh37 (hg19) VCF-style: chr13-96272137-A-T.
Other names: c.1173+2T>A (NM_014934.5).
Identifiers: ClinVar variation 4983335 (VCV004983335.1).

ClinVar aggregate classification (germline): Uncertain significance (1 of 4 stars; one submission).

Conditions:
DZIP1-related disorder. Also called: DZIP1-related condition.

gnomAD v4.1: 10 of 1,613,688 alleles (0.00062%); highest among the groups gnomAD compares: East Asian, 0.022%; no homozygotes.

Submission:

PreventionGenetics, part of Exact Sciences
Classification: Uncertain significance for DZIP1-related condition. Last evaluated: 2026-07-15. Review status: criteria provided, single submitter. Criteria: ACMG Guidelines, 2015. Collection method: clinical testing. Allele origin: germline.
Comment: The DZIP1 c.1173+2T>A variant is predicted to disrupt the GT donor site and interfere with normal splicing. To our knowledge, this variant has not been reported in the literature. This variant is present in 0.030% of alleles in individuals of East Asian descent in gnomAD. At this time, the clinical significance of this variant is uncertain due to the absence of conclusive functional and genetic evidence.